The following is an entry in ClinVar:

NM_005198.5(CHKB):c.598del (p.Gln200fs)

Genes: CHKB (choline kinase beta; minus strand), CHKB-CPT1B (CHKB-CPT1B readthrough (NMD candidate); minus strand). Cytogenetic location: 22q13.33.
Variant type: Deletion.
Coding change: c.598del on transcript NM_005198.5 (MANE Select); coding-DNA position 598, one base deleted (C; older notation c.598delC).
Protein change: p.Gln200fs; shifts the reading frame from glutamine 200.
Molecular consequence: frameshift variant. On other transcripts: non-coding transcript variant (1).
Genome position (GRCh38, 1-based): chr22:50,580,644, G deleted on the plus strand (C on the coding strand, the reverse complement: CHKB is on the minus strand); the first of 2 consecutive G bases (chr22:50,580,644-50,580,645); deleting either gives the same sequence. VCF-style (leftmost placement, unchanged base first): chr22-50580643-TG-T. GRCh37 (hg19) VCF-style: chr22-51019072-TG-T.
Other names: c.598delC (NM_005198.4); short protein forms Q200fs.
Identifiers: ClinVar variation 639037 (VCV000639037.9), dbSNP rs757369551, ClinGen allele CA10323719.

ClinVar aggregate classification (germline): Pathogenic. Review status: criteria provided, multiple submitters, no conflicts (2 of 4 stars). 3 submissions from 3 submitters: Pathogenic (3). Last evaluated 2023-12-24.

Conditions:
Megaconial type congenital muscular dystrophy (MDCMC). Also called: CHKB-Related Muscular Dystrophy; CHKB-Related Muscle Diseases; MUSCULAR DYSTROPHY, CONGENITAL, WITH MITOCHONDRIAL STRUCTURAL ABNORMALITIES. Identifiers: Orphanet 280671, MedGen C1865233, MONDO:0011246, OMIM 602541.

Submissions (3):

GeneDx
Classification: Pathogenic. Last evaluated: 2023-12-24. Review status: criteria provided, single submitter. Criteria: GeneDx Variant Classification Process June 2021. Collection method: clinical testing. Allele origin: germline. Affected: yes.
Comment: Frameshift variant predicted to result in protein truncation or nonsense mediated decay in a gene for which loss of function is a known mechanism of disease; This variant is associated with the following publications: (PMID: 31127727, 31926838)

Labcorp Genetics (formerly Invitae), Labcorp
Classification: Pathogenic for Megaconial type congenital muscular dystrophy. Last evaluated: 2023-11-18. Review status: criteria provided, single submitter. Criteria: Invitae Variant Classification Sherloc (09022015). Collection method: clinical testing. Allele origin: germline.
Comment: This sequence change creates a premature translational stop signal (p.Gln200Argfs*11) in the CHKB gene. It is expected to result in an absent or disrupted protein product. Loss-of-function variants in CHKB are known to be pathogenic (PMID: 21665002). This variant is present in population databases (rs757369551, gnomAD 0.03%). This premature translational stop signal has been observed in individual(s) with congenital muscular dystrophy (PMID: 31926838). ClinVar contains an entry for this variant (Variation ID: 639037). For these reasons, this variant has been classified as Pathogenic.

Juno Genomics, Hangzhou Juno Genomics, Inc
Classification: Pathogenic for Megaconial type congenital muscular dystrophy. Review status: criteria provided, single submitter. Criteria: ACMG Guidelines, 2015. Collection method: clinical testing. Allele origin: germline.
Comment: Absent from controls (or at extremely low frequency if recessive) in Genome Aggregation Database.;Null variant in a gene where loss of function (LOF) is a known mechanism of disease.;For recessive disorders, detected in trans with a pathogenic variant.

Literature cited by the submitters: PubMed 21665002 (cited by Labcorp Genetics (formerly Invitae), Labcorp); PubMed 31926838 (cited by Labcorp Genetics (formerly Invitae), Labcorp).